The following is an entry in ClinVar:

ClinVar aggregate classification (germline): Uncertain significance. Review status: criteria provided, multiple submitters, no conflicts (2 of 4 stars). 2 submissions from 2 submitters: Uncertain significance (2). Last evaluated 2024-02-02.

Conditions:
Sialic acid storage disease, severe infantile type (ISSD). Also called: INFANTILE SIALIC ACID STORAGE DISORDER; N-ACETYLNEURAMINIC ACID STORAGE DISEASE; NANA STORAGE DISEASE; Free sialic acid storage disease, infantile form; SIALURIA, INFANTILE FORM; Infantile Sialic Acid Storage Disease. Identifiers: Orphanet 309324, Orphanet 834, MedGen C1096902, MONDO:0010027, OMIM 269920.
Salla disease (SD). Also called: Less Severe FSASD (Salla Disease); Sialuria, Finnish type; N-acetylneuraminic acid (NANA) storage disease (NSD); Infantile sialic acid storage disorder (ISSD). Identifiers: Orphanet 309334, Orphanet 834, MedGen C1096903, MONDO:0011449, OMIM 604369.

Allele frequency attached by ClinVar (database versions not stated): gnomAD exomes below 0.00001; ExAC 0.00001; TOPMed 0.00003.
gnomAD v4.1: 1 of 1,608,632 alleles (0.000062%); highest among the groups gnomAD compares: Admixed American, 0.0017%; no homozygotes.

Submissions (2):

Fulgent Genetics
Classification: Uncertain significance for Sialic acid storage disease, severe infantile type; Salla disease. Last evaluated: 2024-02-02. Review status: criteria provided, single submitter. Criteria: ACMG Guidelines, 2015. Collection method: clinical testing. Allele origin: germline.

Labcorp Genetics (formerly Invitae), Labcorp
Classification: Uncertain significance for Salla disease. Last evaluated: 2022-07-19. Review status: criteria provided, single submitter. Criteria: Invitae Variant Classification Sherloc (09022015). Collection method: clinical testing. Allele origin: germline.
Comment: In summary, the available evidence is currently insufficient to determine the role of this variant in disease. Therefore, it has been classified as a Variant of Uncertain Significance. Algorithms developed to predict the effect of sequence changes on RNA splicing suggest that this variant may disrupt the consensus splice site. ClinVar contains an entry for this variant (Variation ID: 1437001). This variant has not been reported in the literature in individuals affected with SLC17A5-related conditions. This variant is present in population databases (rs760766672, gnomAD 0.003%). This sequence change affects codon 420 of the SLC17A5 mRNA. It is a 'silent' change, meaning that it does not change the encoded amino acid sequence of the SLC17A5 protein. It affects a nucleotide within the consensus splice site.

NM_012434.5(SLC17A5):c.1260G>C (p.Ser420=)

Gene: SLC17A5 (solute carrier family 17 member 5; minus strand). Cytogenetic location: 6q13.
Variant type: single nucleotide variant.
Coding change: c.1260G>C on transcript NM_012434.5 (MANE Select); coding-DNA position 1260, G replaced by C.
Protein change: p.Ser420=; no amino-acid change (serine 420 retained).
Molecular consequence: synonymous variant. On other transcripts: intron variant (1).
Genome position (GRCh38, 1-based): chr6:73,600,441, C>G on the plus strand (G>C on the coding strand, the complement: SLC17A5 is on the minus strand). VCF-style: chr6-73600441-C-G. GRCh37 (hg19) VCF-style: chr6-74310164-C-G.
Other names: c.1029G>C, p.Ser343= (NM_001382629.1); c.1281G>C, p.Ser427= (NM_001382631.1); c.1173G>C, p.Ser391= (NM_001382632.1); c.1260G>C, p.Ser420= (NM_001382633.1); c.1101G>C, p.Ser367= (NM_001382634.1); c.1257G>C, p.Ser419= (NM_001382635.1); c.942G>C, p.Ser314= (NM_001382636.1); c.1260-5227G>C (NM_001382630.1).
Identifiers: ClinVar variation 1437001 (VCV001437001.7), dbSNP rs760766672, ClinGen allele CA3890300.